The following is an entry in ClinVar:

NM_024685.4(BBS10):c.1623_1624insGT (p.Lys542fs)

Gene: BBS10 (Bardet-Biedl syndrome 10; minus strand). Cytogenetic location: 12q21.2.
Variant type: Insertion.
Coding change: c.1623_1624insGT on transcript NM_024685.4 (MANE Select); coding-DNA positions 1623 to 1624, GT inserted.
Protein change: p.Lys542fs; shifts the reading frame from lysine 542.
Molecular consequence: frameshift variant.
Genome position: GRCh38 VCF-style: chr12-76346361-T-TAC. GRCh37 (hg19) VCF-style: chr12-76740141-T-TAC.
Other names: short protein forms K542fs.
Identifiers: ClinVar variation 2679984 (VCV002679984.4), dbSNP rs2540955435, ClinGen allele CA2695199112.
Genomic context (GRCh38, chr12:76,346,361, plus strand): 5'-AATTTTCGTAAGAAATTTCTATTCTATTTCCCCTTGTTGAATAAGCAGTGGAATTGTTCT[T>TAC]GAGTAATGGTTCATAATAATCAGTTAGCCTGTTTCTTTCCAAAGACAAACATGTCAGCGT-3'

ClinVar aggregate classification (germline): Pathogenic/Likely pathogenic. Review status: criteria provided, multiple submitters, no conflicts (2 of 4 stars). 2 submissions from 2 submitters: Pathogenic (1); Likely pathogenic (1). Last evaluated 2024-01-23.

Conditions:
Bardet-Biedl syndrome (BBS). Identifiers: Orphanet 110, MedGen C0752166, MONDO:0015229.
Bardet-Biedl syndrome 10 (BBS10). Identifiers: Orphanet 110, MedGen C1859568, MONDO:0014438, OMIM 615987.

Submissions (2):

Labcorp Genetics (formerly Invitae), Labcorp
Classification: Pathogenic for Bardet-Biedl syndrome. Last evaluated: 2024-01-23. Review status: criteria provided, single submitter. Criteria: Invitae Variant Classification Sherloc (09022015). Collection method: clinical testing. Allele origin: germline.
Comment: This sequence change creates a premature translational stop signal (p.Lys542Valfs*15) in the BBS10 gene. While this is not anticipated to result in nonsense mediated decay, it is expected to disrupt the last 182 amino acid(s) of the BBS10 protein. This variant is not present in population databases (gnomAD no frequency). This variant has not been reported in the literature in individuals affected with BBS10-related conditions. This variant disrupts a region of the BBS10 protein in which other variant(s) (p.Val707*) have been determined to be pathogenic (PMID: 20472660, 22773737, 25982971, 27486776). This suggests that this is a clinically significant region of the protein, and that variants that disrupt it are likely to be disease-causing. For these reasons, this variant has been classified as Pathogenic.

Baylor Genetics
Classification: Likely pathogenic for Bardet-Biedl syndrome 10. Last evaluated: 2022-01-19. Review status: criteria provided, single submitter. Criteria: ACMG Guidelines, 2015. Collection method: clinical testing. Allele origin: unknown.

Literature cited by the submitters: PubMed 20472660 (cited by Labcorp Genetics (formerly Invitae), Labcorp); PubMed 22773737 (cited by Labcorp Genetics (formerly Invitae), Labcorp); PubMed 25982971 (cited by Labcorp Genetics (formerly Invitae), Labcorp); PubMed 27486776 (cited by Labcorp Genetics (formerly Invitae), Labcorp).